The following is an entry in ClinVar:

NM_001127511.3(APC):c.-187G>A

Genes: APC (APC regulator of Wnt signaling pathway; plus strand), LOC129994371 (ATAC-STARR-seq lymphoblastoid active region 22910; plus strand). Cytogenetic location: 5q22.2.
Variant type: single nucleotide variant.
Coding change: c.-187G>A on transcript NM_001127511.3; 187 bases upstream of the start codon, G replaced by A.
Molecular consequence: 5 prime UTR variant. On other transcripts: non-coding transcript variant (2).
Genome position (GRCh38, 1-based): chr5:112,707,531, G>A. VCF-style: chr5-112707531-G-A. GRCh37 (hg19) VCF-style: chr5-112043228-G-A.
Other names: c.-370G>A (NM_001354895.2, NM_001407447.1, NM_001407452.1 and 3 more transcripts); c.-187G>A (NM_001354897.2, NM_001354902.2, NM_001407446.1); c.-137G>A (NM_001407448.1, NM_001407450.1, NM_001407457.1 and 1 more transcripts); c.-161G>A (NM_001407453.1); c.-1405G>A (NM_001407470.1, NM_001407472.1).
Identifiers: ClinVar variation 469857 (VCV000469857.14), dbSNP rs1554060186, ClinGen allele CA658655883.
Genomic context (GRCh38, chr5:112,707,531, plus strand): 5'-GAAGCCAGCAACACCTCTCACGCATGCGCATTGTAGTCTTCCCACCTCCCACAAGATGGC[G>A]GAGGGCAAGTAGCAAGGGGGCGGGGTGTGGCCGCCGGAAGCCTAGCCGCTGCTCGGGGGG-3'

ClinVar aggregate classification (germline): Uncertain significance. Review status: criteria provided, multiple submitters, no conflicts (2 of 4 stars). 3 submissions from 3 submitters: Uncertain significance (3). Last evaluated 2025-11-10.

Conditions:
Hereditary cancer-predisposing syndrome. Also called: Neoplastic Syndromes, Hereditary; Hereditary Cancer Syndrome; Tumor predisposition; Hereditary neoplastic syndrome. Identifiers: Orphanet 140162, MedGen C0027672, MeSH D009386, MONDO:0015356.
Classic or attenuated familial adenomatous polyposis. Identifiers: MedGen CN372698, MONDO:0021057.
Familial adenomatous polyposis 1 (FAP1). Also called: FAMILIAL ADENOMATOUS POLYPOSIS 1, ATTENUATED; POLYPOSIS, ADENOMATOUS INTESTINAL. Identifiers: MedGen C2713442, MONDO:0021056, OMIM 175100. Disease mechanism: loss of function.

Submissions (3):

Labcorp Genetics (formerly Invitae), Labcorp
Classification: Uncertain significance for Familial adenomatous polyposis 1. Last evaluated: 2025-11-10. Review status: criteria provided, single submitter. Criteria: Invitae Variant Classification Sherloc (09022015). Collection method: clinical testing. Allele origin: germline.
Comment: This variant occurs in a non-coding region of the APC gene. It does not change the encoded amino acid sequence of the APC protein. This variant is not present in population databases (gnomAD no frequency). This variant has not been reported in the literature in individuals affected with APC-related conditions. ClinVar contains an entry for this variant (Variation ID: 469857). Experimental studies and prediction algorithms are not available or were not evaluated, and the functional significance of this variant is currently unknown. In summary, the available evidence is currently insufficient to determine the role of this variant in disease. Therefore, it has been classified as a Variant of Uncertain Significance.

All of Us Research Program, National Institutes of Health
Classification: Uncertain significance for Classic or attenuated familial adenomatous polyposis. Last evaluated: 2023-08-15. Review status: criteria provided, single submitter. Criteria: ACMG Guidelines, 2015. Collection method: clinical testing. Allele origin: germline. Inheritance: Autosomal dominant inheritance. Observed: 1 variant allele, 1 heterozygote.
Comment: This study involves interpretation of variants in research participants for the purpose of population health screening. Participant phenotype was not available at the time of variant classification. Additional details can be found in publication PMID: 35346344, PMCID: PMC8962531

Color Diagnostics, LLC DBA Color Health
Classification: Uncertain significance for Hereditary cancer-predisposing syndrome. Last evaluated: 2020-03-02. Review status: criteria provided, single submitter. Criteria: ACMG Guidelines, 2015. Collection method: clinical testing. Allele origin: germline.
Comment: This variant is located in the APC protein. Splice site prediction tools suggest that this variant may not impact RNA splicing. To our knowledge, functional studies have not been reported for this variant. This variant has not been reported in individuals affected with hereditary cancer in the literature. This variant has not been identified in the general population by the Genome Aggregation Database (gnomAD). The available evidence is insufficient to determine the role of this variant in disease conclusively. Therefore, this variant is classified as a Variant of Uncertain Significance.